The following is an entry in ClinVar:

NM_001349884.2(DRAM2):c.707G>A (p.Arg236Gln)

Gene: DRAM2 (DNA damage regulated autophagy modulator 2; minus strand). Cytogenetic location: 1p13.3.
Variant type: single nucleotide variant.
Coding change: c.707G>A on transcript NM_001349884.2 (MANE Select); coding-DNA position 707, G replaced by A.
Protein change: p.Arg236Gln; replaces arginine 236 with glutamine.
Molecular consequence: missense variant. On other transcripts: non-coding transcript variant (8).
Genome position (GRCh38, 1-based): chr1:111,118,254, C>T on the plus strand (G>A on the coding strand, the complement: DRAM2 is on the minus strand). VCF-style: chr1-111118254-C-T. GRCh37 (hg19) VCF-style: chr1-111660876-C-T.
Other names: c.707G>A, p.Arg236Gln (NM_001349881.2, NM_001349882.2, NM_001349885.2 and 1 more transcripts); c.437G>A, p.Arg146Gln (NM_001349886.2, NM_001349887.2, NM_001349888.2); c.317G>A, p.Arg106Gln (NM_001349889.2, NM_001349890.2, NM_001349891.2 and 2 more transcripts); short protein forms R106Q, R146Q, R236Q.
Identifiers: ClinVar variation 1003613 (VCV001003613.6), dbSNP rs765482763, ClinGen allele CA1001735.

ClinVar aggregate classification (germline): Uncertain significance (1 of 4 stars; one submission).

Allele frequency attached by ClinVar (database versions not stated): TOPMed 0.00001; gnomAD 0.00002.
gnomAD v4.1: 13 of 1,610,300 alleles (0.00081%); highest among the groups gnomAD compares: South Asian, 0.0055%; 1 homozygote.

Submission:

Labcorp Genetics (formerly Invitae), Labcorp
Classification: Uncertain significance. Last evaluated: 2022-01-15. Review status: criteria provided, single submitter. Criteria: Invitae Variant Classification Sherloc (09022015). Collection method: clinical testing. Allele origin: germline.
Comment: This sequence change replaces arginine, which is basic and polar, with glutamine, which is neutral and polar, at codon 236 of the DRAM2 protein (p.Arg236Gln). This variant is present in population databases (no rsID available, gnomAD 0.01%). This variant has not been reported in the literature in individuals affected with DRAM2-related conditions. ClinVar contains an entry for this variant (Variation ID: 1003613). Algorithms developed to predict the effect of missense changes on protein structure and function output the following: SIFT: "Tolerated"; PolyPhen-2: "Benign"; Align-GVGD: "Class C0". The glutamine amino acid residue is found in multiple mammalian species, which suggests that this missense change does not adversely affect protein function. Algorithms developed to predict the effect of sequence changes on RNA splicing suggest that this variant may create or strengthen a splice site. In summary, the available evidence is currently insufficient to determine the role of this variant in disease. Therefore, it has been classified as a Variant of Uncertain Significance.